The following is an entry in ClinVar:

NM_024409.4(NPPC):c.176G>T (p.Gly59Val)

Gene: NPPC (natriuretic peptide C; minus strand). Cytogenetic location: 2q37.1.
Variant type: single nucleotide variant.
Coding change: c.176G>T on transcript NM_024409.4 (MANE Select); coding-DNA position 176, G replaced by T.
Protein change: p.Gly59Val; replaces glycine 59 with valine.
Molecular consequence: missense variant.
Genome position (GRCh38, 1-based): chr2:231,925,630, C>A on the plus strand (G>T on the coding strand, the complement: NPPC is on the minus strand). VCF-style: chr2-231925630-C-A. GRCh37 (hg19) VCF-style: chr2-232790340-C-A.
Other names: short protein forms G59V.
Identifiers: ClinVar variation 2977522 (VCV002977522.3), dbSNP rs1444122636, ClinGen allele CA351150218.

ClinVar aggregate classification (germline): Uncertain significance (1 of 4 stars; one submission).

Allele frequency attached by ClinVar (database versions not stated): gnomAD 0.00002.

Submission:

Labcorp Genetics (formerly Invitae), Labcorp
Classification: Uncertain significance. Last evaluated: 2023-10-05. Review status: criteria provided, single submitter. Criteria: Invitae Variant Classification Sherloc (09022015). Collection method: clinical testing. Allele origin: germline.
Comment: This sequence change replaces glycine, which is neutral and non-polar, with valine, which is neutral and non-polar, at codon 59 of the NPPC protein (p.Gly59Val). The frequency data for this variant in the population databases is considered unreliable, as metrics indicate poor data quality at this position in the gnomAD database. This variant has not been reported in the literature in individuals affected with NPPC-related conditions. An algorithm developed to predict the effect of missense changes on protein structure and function (PolyPhen-2) suggests that this variant is likely to be disruptive. In summary, the available evidence is currently insufficient to determine the role of this variant in disease. Therefore, it has been classified as a Variant of Uncertain Significance.